The following is an entry in ClinVar:

NM_001267550.2(TTN):c.100471_100478del (p.Val33491fs)

Genes: TTN (titin; minus strand), TTN-AS1 (TTN antisense RNA 1; plus strand). Cytogenetic location: 2q31.2.
Variant type: Deletion.
Coding change: c.100471_100478del on transcript NM_001267550.2 (MANE Select); coding-DNA positions 100471 to 100478, 8 bases deleted (GTCCCAAT; older notation c.100471_100478delGTCCCAAT).
Protein change: p.Val33491fs; shifts the reading frame from valine 33491.
Molecular consequence: frameshift variant.
Genome position (GRCh38, 1-based): chr2:178,536,269-178,536,276, ATTGGGAC deleted on the plus strand (GTCCCAAT on the coding strand, the reverse complement: TTN is on the minus strand); deleting any 8 consecutive bases within chr2:178,536,269-178,536,278 gives the same sequence; the c. name uses the placement nearest the transcript's 3' end. VCF-style (leftmost placement, unchanged base first): chr2-178536268-AATTGGGAC-A. GRCh37 (hg19) VCF-style: chr2-179400995-AATTGGGAC-A.
Other names: c.95548_95555del, p.Val31850fs (NM_001256850.1); c.73276_73283del, p.Val24426fs (NM_003319.4); c.92767_92774del, p.Val30923fs (NM_133378.4); c.73651_73658del, p.Val24551fs (NM_133432.3); c.73852_73859del, p.Val24618fs (NM_133437.4); c.73276_73283delGTCCCAAT (NM_003319.4); short protein forms V24618fs, V24551fs, V24426fs, V30923fs, V33491fs, V31850fs.
Identifiers: ClinVar variation 4832967 (VCV004832967.1).

ClinVar aggregate classification (germline): Likely pathogenic (1 of 4 stars; one submission).

Conditions:
Cardiovascular phenotype. Identifiers: MedGen CN230736.

Submission:

Ambry Genetics
Classification: Likely pathogenic for Cardiovascular phenotype. Last evaluated: 2026-01-02. Review status: criteria provided, single submitter. Criteria: Ambry Variant Classification Scheme 2023. Collection method: clinical testing. Allele origin: germline.
Comment: The c.73276_73283delGTCCCAAT (p.V24426Sfs*6) alteration, located in exon 185 (coding exon 184) of the TTN gene, consists of a deletion of 8 nucleotides from position 73276 to 73283, causing a translational frameshift with a predicted alternate stop codon after 6 amino acids. This variant is expected to result in loss of function by premature protein truncation or nonsense-mediated mRNA decay. This variant was not reported in population-based cohorts in the Genome Aggregation Database (gnomAD). This exon is located in the A-band region of the N2-B isoform of the titin protein and is constitutively expressed in TTN transcripts (percent spliced in or PSI 100%). While truncating variants in TTN are present in 1-3% of the general population, truncating variants in the A-band are the most common cause of dilated cardiomyopathy (Herman, 2012; Roberts, 2015). TTN truncating variants encoded in constitutive exons (PSI >90%) have been found to be significantly associated with DCM regardless of their position in titin (Schafer, 2017; Akhtar, 2020; Massier, 2025). Based on the available evidence, this alteration is classified as likely pathogenic.

Literature cited by the submitters: PubMed 22335739; PubMed 25589632; PubMed 27869827; PubMed 32964742; PubMed 39844436.